The following is an entry in ClinVar:

NM_005557.4(KRT16):c.1162C>T (p.Gln388Ter)

Gene: KRT16 (keratin 16; minus strand). Cytogenetic location: 17q21.2.
Variant type: single nucleotide variant.
Coding change: c.1162C>T on transcript NM_005557.4 (MANE Select); coding-DNA position 1162, C replaced by T.
Protein change: p.Gln388Ter; replaces glutamine 388 with a stop codon.
Molecular consequence: nonsense.
Genome position (GRCh38, 1-based): chr17:41,610,449, G>A on the plus strand (C>T on the coding strand, the complement: KRT16 is on the minus strand). VCF-style: chr17-41610449-G-A. GRCh37 (hg19) VCF-style: chr17-39766701-G-A.
Other names: short protein forms Q388*.
Identifiers: ClinVar variation 2160072 (VCV002160072.3), dbSNP rs781631228, ClinGen allele CA8562979.

ClinVar aggregate classification (germline): Uncertain significance (1 of 4 stars; one submission).

Allele frequency attached by ClinVar (database versions not stated): gnomAD 0.00003; gnomAD exomes 0.00004; TOPMed 0.00006; ExAC 0.00007.

Submission:

Labcorp Genetics (formerly Invitae), Labcorp
Classification: Uncertain significance. Last evaluated: 2022-06-15. Review status: criteria provided, single submitter. Criteria: Invitae Variant Classification Sherloc (09022015). Collection method: clinical testing. Allele origin: germline.
Comment: In summary, the available evidence is currently insufficient to determine the role of this variant in disease. Therefore, it has been classified as a Variant of Uncertain Significance. This variant has not been reported in the literature in individuals affected with KRT16-related conditions. This variant is present in population databases (rs781631228, gnomAD 0.06%), and has an allele count higher than expected for a pathogenic variant. This sequence change creates a premature translational stop signal (p.Gln388*) in the KRT16 gene. It is expected to result in an absent or disrupted protein product. However, the current clinical and genetic evidence is not sufficient to establish whether loss-of-function variants in KRT16 cause disease.